The following is an entry in ClinVar:

ClinVar aggregate classification (germline): Uncertain significance. Review status: criteria provided, multiple submitters, no conflicts (2 of 4 stars). 2 submissions from 2 submitters: Uncertain significance (2). Last evaluated 2025-04-13.

Conditions:
Inborn genetic diseases. Identifiers: MedGen C0950123, MeSH D030342.

Allele frequency attached by ClinVar (database versions not stated): gnomAD exomes 0.00003 and 0.00002; ExAC 0.00004; TOPMed 0.00005; gnomAD 0.00008 and 0.00007.
gnomAD v4.1: 52 of 1,560,334 alleles (0.0033%); highest among the groups gnomAD compares: Middle Eastern, 0.018%; no homozygotes.

Submissions (2):

Ambry Genetics
Classification: Uncertain significance for Inborn genetic diseases. Last evaluated: 2025-04-13. Review status: criteria provided, single submitter. Criteria: Ambry Variant Classification Scheme 2023. Collection method: clinical testing. Allele origin: germline.

GeneDx
Classification: Uncertain significance. Last evaluated: 2019-04-29. Review status: criteria provided, single submitter. Criteria: GeneDx Variant Classification Process June 2021. Collection method: clinical testing. Allele origin: germline. Affected: yes.
Comment: Not observed at a significant frequency in large population cohorts (Lek et al., 2016); In silico analysis, which includes protein predictors and evolutionary conservation, supports a deleterious effect; Has not been previously published as pathogenic or benign to our knowledge

NM_001271938.2(MEGF8):c.4675G>A (p.Gly1559Arg)

Gene: MEGF8 (multiple EGF like domains 8; plus strand). Cytogenetic location: 19q13.2.
Variant type: single nucleotide variant.
Coding change: c.4675G>A on transcript NM_001271938.2 (MANE Select); coding-DNA position 4675, G replaced by A.
Protein change: p.Gly1559Arg; replaces glycine 1559 with arginine.
Molecular consequence: missense variant.
Genome position (GRCh38, 1-based): chr19:42,356,826, G>A. VCF-style: chr19-42356826-G-A. GRCh37 (hg19) VCF-style: chr19-42860978-G-A.
Other names: c.4474G>A, p.Gly1492Arg (NM_001410.3); short protein forms G1492R, G1559R.
Identifiers: ClinVar variation 1305321 (VCV001305321.3), dbSNP rs760852092, ClinGen allele CA9475339.